The following is an entry in ClinVar:

NM_201253.3(CRB1):c.2159A>G (p.Asp720Gly)

Gene: CRB1 (crumbs cell polarity complex component 1; plus strand). Cytogenetic location: 1q31.3.
Variant type: single nucleotide variant.
Coding change: c.2159A>G on transcript NM_201253.3 (MANE Select); coding-DNA position 2159, A replaced by G.
Protein change: p.Asp720Gly; replaces aspartic acid 720 with glycine.
Molecular consequence: missense variant. On other transcripts: non-coding transcript variant (2), intron variant (1).
Genome position (GRCh38, 1-based): chr1:197,427,484, A>G. VCF-style: chr1-197427484-A-G. GRCh37 (hg19) VCF-style: chr1-197396614-A-G.
Other names: c.1823A>G, p.Asp608Gly (NM_001193640.2); c.1952A>G, p.Asp651Gly (NM_001257965.2); c.2128+5528A>G (NM_001257966.2); short protein forms D651G, D608G, D720G.
Identifiers: ClinVar variation 2932915 (VCV002932915.3), dbSNP rs766989894, ClinGen allele CA344036415.

ClinVar aggregate classification (germline): Uncertain significance (1 of 4 stars; one submission).

Conditions:
Retinitis pigmentosa 12 (RP12). Also called: RP WITH OR WITHOUT PRESERVED PARAARTERIOLE RETINAL PIGMENT EPITHELIUM; RETINITIS PIGMENTOSA WITH OR WITHOUT PARAARTERIOLAR PRESERVATION OF RETINAL PIGMENT EPITHELIUM; RP WITH OR WITHOUT PPRPE. Identifiers: Orphanet 791, MedGen C1838647, MONDO:0010818, OMIM 600105.
Leber congenital amaurosis 8 (LCA8). Identifiers: Orphanet 65, MedGen C3151202, MONDO:0013453, OMIM 613835.

Submission:

Labcorp Genetics (formerly Invitae), Labcorp
Classification: Uncertain significance for Leber congenital amaurosis 8; Retinitis pigmentosa 12. Last evaluated: 2024-01-04. Review status: criteria provided, single submitter. Criteria: Invitae Variant Classification Sherloc (09022015). Collection method: clinical testing. Allele origin: germline.
Comment: This sequence change replaces aspartic acid, which is acidic and polar, with glycine, which is neutral and non-polar, at codon 720 of the CRB1 protein (p.Asp720Gly). This variant is not present in population databases (gnomAD no frequency). This variant has not been reported in the literature in individuals affected with CRB1-related conditions. Algorithms developed to predict the effect of missense changes on protein structure and function output the following: SIFT: "Not Available"; PolyPhen-2: "Benign"; Align-GVGD: "Not Available". The glycine amino acid residue is found in multiple mammalian species, which suggests that this missense change does not adversely affect protein function. This variant disrupts the p.Asp720 amino acid residue in CRB1. Other variant(s) that disrupt this residue have been determined to be pathogenic (Invitae). This suggests that this residue is clinically significant, and that variants that disrupt this residue are likely to be disease-causing. In summary, the available evidence is currently insufficient to determine the role of this variant in disease. Therefore, it has been classified as a Variant of Uncertain Significance.